The following is an entry in ClinVar:

ClinVar aggregate classification (germline): Uncertain significance (1 of 4 stars; one submission).

Conditions:
Perlman syndrome (PRLMNS). Identifiers: Orphanet 2849, MedGen C0796113, MONDO:0009965, OMIM 267000.

Submission:

Labcorp Genetics (formerly Invitae), Labcorp
Classification: Uncertain significance for Perlman syndrome. Last evaluated: 2023-06-09. Review status: criteria provided, single submitter. Criteria: Invitae Variant Classification Sherloc (09022015). Collection method: clinical testing. Allele origin: germline.
Comment: In summary, the available evidence is currently insufficient to determine the role of this variant in disease. Therefore, it has been classified as a Variant of Uncertain Significance. Advanced modeling of protein sequence and biophysical properties (such as structural, functional, and spatial information, amino acid conservation, physicochemical variation, residue mobility, and thermodynamic stability) performed at Invitae indicates that this missense variant is not expected to disrupt DIS3L2 protein function. This variant has not been reported in the literature in individuals affected with DIS3L2-related conditions. This variant is not present in population databases (gnomAD no frequency). This sequence change replaces isoleucine, which is neutral and non-polar, with methionine, which is neutral and non-polar, at codon 336 of the DIS3L2 protein (p.Ile336Met).

NM_152383.5(DIS3L2):c.1008A>G (p.Ile336Met)

Gene: DIS3L2 (DIS3 like 3'-5' exoribonuclease 2; plus strand). Cytogenetic location: 2q37.1.
Variant type: single nucleotide variant.
Coding change: c.1008A>G on transcript NM_152383.5 (MANE Select); coding-DNA position 1008, A replaced by G.
Protein change: p.Ile336Met; replaces isoleucine 336 with methionine.
Molecular consequence: missense variant. On other transcripts: non-coding transcript variant (2).
Genome position (GRCh38, 1-based): chr2:232,163,516, A>G. VCF-style: chr2-232163516-A-G. GRCh37 (hg19) VCF-style: chr2-233028226-A-G.
Other names: c.1008A>G, p.Ile336Met (NM_001257281.2); short protein forms I336M.
Identifiers: ClinVar variation 2824211 (VCV002824211.3), dbSNP rs2469895547, ClinGen allele CA351154280.